The following is an entry in ClinVar:

ClinVar aggregate classification (germline): Likely pathogenic (1 of 4 stars; one submission).

Conditions:
Inborn genetic diseases. Identifiers: MedGen C0950123, MeSH D030342.

Allele frequency attached by ClinVar (database versions not stated): gnomAD exomes below 0.00001; gnomAD 0.00001; ExAC 0.00002; TOPMed 0.00002; ESP Exome Variant Server 0.00009.
gnomAD v4.1: 6 of 1,373,158 alleles (0.00044%); highest among the groups gnomAD compares: South Asian, 0.0028%; no homozygotes.

Submission:

Ambry Genetics
Classification: Likely pathogenic for Inborn genetic diseases. Last evaluated: 2022-05-03. Review status: criteria provided, single submitter. Criteria: Ambry Variant Classification Scheme 2023. Collection method: clinical testing. Allele origin: germline.
Comment: The c.2482-2A>G intronic variant results from an A to G substitution two nucleotides before coding exon 22 of the TBC1D32 gene. Alterations that disrupt the canonical splice site are expected to cause aberrant splicing, resulting in an abnormal protein or a transcript that is subject to nonsense-mediated mRNA decay. Based on data from gnomAD, the G allele has an overall frequency of <0.01% (1/177502) total alleles studied. This nucleotide position is highly conserved in available vertebrate species. In silico splice site analysis predicts that this alteration will weaken the native splice acceptor site. Based on the available evidence, this alteration is classified as likely pathogenic.

NM_152730.6(TBC1D32):c.2482-2A>G

Gene: TBC1D32 (TBC1 domain family member 32; minus strand). Cytogenetic location: 6q22.31.
Variant type: single nucleotide variant.
Coding change: c.2482-2A>G on transcript NM_152730.6 (MANE Select); the canonical splice acceptor site of the intron before coding-DNA position 2482, A replaced by G.
Molecular consequence: splice acceptor variant.
Genome position (GRCh38, 1-based): chr6:121,205,165, T>C on the plus strand (A>G on the coding strand, the complement: TBC1D32 is on the minus strand). VCF-style: chr6-121205165-T-C. GRCh37 (hg19) VCF-style: chr6-121526311-T-C.
Other names: c.2482-2A>G (NM_001367759.1, NM_001367760.1).
Identifiers: ClinVar variation 2279946 (VCV002279946.2), dbSNP rs369794331, ClinGen allele CA3980796.